The following is an entry in ClinVar:

NM_000020.3(ACVRL1):c.850T>C (p.Ser284Pro)

Gene: ACVRL1 (activin A receptor like type 1; plus strand). Cytogenetic location: 12q13.13.
Variant type: single nucleotide variant.
Coding change: c.850T>C on transcript NM_000020.3 (MANE Select); coding-DNA position 850, T replaced by C.
Protein change: p.Ser284Pro; replaces serine 284 with proline.
Molecular consequence: missense variant.
Genome position (GRCh38, 1-based): chr12:51,915,302, T>C. VCF-style: chr12-51915302-T-C. GRCh37 (hg19) VCF-style: chr12-52309086-T-C.
Other names: c.850T>C, p.Ser284Pro (NM_001077401.2, NM_001406487.1, NM_001406488.1 and 1 more transcripts); c.538T>C, p.Ser180Pro (NM_001406490.1, NM_001406491.1, NM_001406492.1 and 2 more transcripts); c.286T>C, p.Ser96Pro (NM_001406495.1); short protein forms S180P, S284P, S96P.
Identifiers: ClinVar variation 1763687 (VCV001763687.2), dbSNP rs1940804582, ClinGen allele CA384900551.

ClinVar aggregate classification (germline): Uncertain significance (1 of 4 stars; one submission).

Conditions:
Cardiovascular phenotype. Identifiers: MedGen CN230736.

Submission:

Ambry Genetics
Classification: Uncertain significance for Cardiovascular phenotype. Last evaluated: 2022-09-14. Review status: criteria provided, single submitter. Criteria: Ambry Variant Classification Scheme 2023. Collection method: clinical testing. Allele origin: germline.
Comment: The p.S284P variant (also known as c.850T>C), located in coding exon 6 of the ACVRL1 gene, results from a T to C substitution at nucleotide position 850. The serine at codon 284 is replaced by proline, an amino acid with similar properties. This amino acid position is highly conserved in available vertebrate species. In addition, this alteration is predicted to be deleterious by in silico analysis. Since supporting evidence is limited at this time, the clinical significance of this alteration remains unclear.